The following is an entry in ClinVar:

NM_000217.3(KCNA1):c.*2333G>A

Gene: KCNA1 (potassium voltage-gated channel subfamily A member 1; plus strand). Cytogenetic location: 12p13.32.
Variant type: single nucleotide variant.
Coding change: c.*2333G>A on transcript NM_000217.3 (MANE Select); 2333 bases downstream of the stop codon, G replaced by A.
Molecular consequence: 3 prime UTR variant.
Genome position (GRCh38, 1-based): chr12:4,915,199, G>A. VCF-style: chr12-4915199-G-A. GRCh37 (hg19) VCF-style: chr12-5024365-G-A.
Identifiers: ClinVar variation 309189 (VCV000309189.8), dbSNP rs2109420, ClinGen allele CA10637713.

ClinVar aggregate classification (germline): Benign. Review status: criteria provided, multiple submitters, no conflicts (2 of 4 stars). 3 submissions from 3 submitters: Benign (3). Last evaluated 2021-05-12.

Conditions:
Episodic ataxia type 1 (EA1). Also called: ATAXIA, EPISODIC, WITH MYOKYMIA; MYOKYMIA WITH PERIODIC ATAXIA; PAROXYSMAL ATAXIA WITH NEUROMYOTONIA, HEREDITARY; Episodic ataxia/myokymia syndrome. Identifiers: Orphanet 37612, Orphanet 972, MedGen C1719788, MONDO:0008047, OMIM 160120.

Allele frequency attached by ClinVar (database versions not stated): gnomAD exomes 0.05091; TOPMed 0.06067; 1000 Genomes Project 30x 0.07121; 1000 Genomes Project 0.07228.

Submissions (3):

GeneDx
Classification: Benign. Last evaluated: 2021-05-12. Review status: criteria provided, single submitter. Criteria: GeneDx Variant Classification Process June 2021. Collection method: clinical testing. Allele origin: germline. Affected: yes.

Illumina Laboratory Services, Illumina
Classification: Benign for Episodic ataxia type 1. Last evaluated: 2018-01-13. Review status: criteria provided, single submitter. Criteria: ICSL Variant Classification Criteria 13 December 2019. Collection method: clinical testing. Allele origin: germline.
Comment: This variant was observed in the ICSL laboratory as part of a predisposition screen in an ostensibly healthy population. It had not been previously curated by ICSL or reported in the Human Gene Mutation Database (HGMD: prior to June 1st, 2018), and was therefore a candidate for classification through an automated scoring system. Utilizing variant allele frequency, disease prevalence and penetrance estimates, and inheritance mode, an automated score was calculated to assess if this variant is too frequent to cause the disease. Based on the score and internal cut-off values, a variant classified as benign is not then subjected to further curation. The score for this variant resulted in a classification of benign for this disease.

Breakthrough Genomics
Classification: Benign. Review status: criteria provided, single submitter. Criteria: ACMG Guidelines, 2015. Collection method: not provided. Allele origin: germline. Inheritance: Autosomal dominant inheritance. Affected: yes.